The following is an entry in ClinVar:

ClinVar aggregate classification (germline): Uncertain significance. Review status: criteria provided, multiple submitters, no conflicts (2 of 4 stars). 2 submissions from 2 submitters: Uncertain significance (2). Last evaluated 2024-12-09.

Conditions:
Inborn genetic diseases. Identifiers: MedGen C0950123, MeSH D030342.

Allele frequency attached by ClinVar (database versions not stated): TOPMed 0.00001; gnomAD exomes below 0.00001 and 0.00001; ExAC 0.00001.
gnomAD v4.1: 5 of 1,605,932 alleles (0.00031%); highest among the groups gnomAD compares: Admixed American, 0.0017%; no homozygotes.

Submissions (2):

Ambry Genetics
Classification: Uncertain significance for Inborn genetic diseases. Last evaluated: 2024-12-09. Review status: criteria provided, single submitter. Criteria: Ambry Variant Classification Scheme 2023. Collection method: clinical testing. Allele origin: germline.

Labcorp Genetics (formerly Invitae), Labcorp
Classification: Uncertain significance. Last evaluated: 2021-03-23. Review status: criteria provided, single submitter. Criteria: Invitae Variant Classification Sherloc (09022015). Collection method: clinical testing. Allele origin: germline.
Comment: In summary, the available evidence is currently insufficient to determine the role of this variant in disease. Therefore, it has been classified as a Variant of Uncertain Significance. Algorithms developed to predict the effect of missense changes on protein structure and function are either unavailable or do not agree on the potential impact of this missense change (SIFT: "Not Available"; PolyPhen-2: "Benign"; Align-GVGD: "Not Available"). This variant has not been reported in the literature in individuals with TCF3-related conditions. This variant is present in population databases (rs769948460, ExAC 0.003%). This sequence change replaces serine with asparagine at codon 259 of the TCF3 protein (p.Ser259Asn). The serine residue is weakly conserved and there is a small physicochemical difference between serine and asparagine.

NM_003200.5(TCF3):c.776G>A (p.Ser259Asn)

Gene: TCF3 (transcription factor 3; minus strand). Cytogenetic location: 19p13.3.
Variant type: single nucleotide variant.
Coding change: c.776G>A on transcript NM_003200.5 (MANE Select); coding-DNA position 776, G replaced by A.
Protein change: p.Ser259Asn; replaces serine 259 with asparagine.
Molecular consequence: missense variant.
Genome position (GRCh38, 1-based): chr19:1,622,100, C>T on the plus strand (G>A on the coding strand, the complement: TCF3 is on the minus strand). VCF-style: chr19-1622100-C-T. GRCh37 (hg19) VCF-style: chr19-1622099-C-T.
Other names: c.776G>A (NM_003200.3); c.776G>A, p.Ser259Asn (NM_001136139.4, NM_001351778.2, NM_001351779.2); short protein forms S259N.
Identifiers: ClinVar variation 1509938 (VCV001509938.7), dbSNP rs769948460, ClinGen allele CA9050235.